The following is an entry in ClinVar:

ClinVar aggregate classification (germline): Benign. Review status: criteria provided, multiple submitters, no conflicts (2 of 4 stars). 4 submissions from 4 submitters: Benign (3). 1 of the submissions does not count toward it. Last evaluated 2024-07-15.

Allele frequency attached by ClinVar (database versions not stated): 1000 Genomes Project 0.95148; TOPMed 0.96482; ESP Exome Variant Server 0.96871; gnomAD exomes 0.99407; 1000 Genomes Project 30x 0.94988.
gnomAD v4.1: 1,589,330 of 1,603,144 alleles (99%); highest among the groups gnomAD compares: Non-Finnish European, 100%; 788,319 homozygotes.

Submissions (4):

Unidad de Genómica Garrahan, Hospital de Pediatría Garrahan
Classification: Benign. Last evaluated: 2024-07-15. Review status: criteria provided, single submitter. Criteria: ACMG Guidelines, 2015. Collection method: clinical testing. Allele origin: germline. Affected: no. Observed: 93 variant alleles.
Comment: This variant is classified as Benign based on local population frequency. This variant was detected in 100% of patients studied in a panel designed for Epileptic and Developmental Encephalopathy and Progressive Myoclonus Epilepsy. Number of patients: 93. Only high quality variants are reported.

GeneDx
Classification: Benign. Last evaluated: 2018-06-25. Review status: criteria provided, single submitter. Criteria: GeneDx Variant Classification Process June 2021. Collection method: clinical testing. Allele origin: germline. Affected: yes.

Breakthrough Genomics
Classification: Benign. Review status: criteria provided, single submitter. Criteria: ACMG Guidelines, 2015. Collection method: not provided. Allele origin: germline. Inheritance: Autosomal dominant inheritance. Affected: yes.

Genetic Services Laboratory, University of Chicago
Classification: Likely benign. Review status: no assertion criteria provided. Collection method: clinical testing. Allele origin: germline. Inheritance: Autosomal dominant inheritance. Not counted in ClinVar's aggregate classification.
Comment: Likely benign based on allele frequency in 1000 Genomes Project or ESP global frequency and its presence in a patient with a rare or unrelated disease phenotype. NOT Sanger confirmed

NM_001130438.3(SPTAN1):c.651+37A>C

Gene: SPTAN1 (spectrin alpha, non-erythrocytic 1; plus strand). Cytogenetic location: 9q34.11.
Variant type: single nucleotide variant.
Coding change: c.651+37A>C on transcript NM_001130438.3 (MANE Select); 37 bases into the intron after coding-DNA position 651, A replaced by C.
Molecular consequence: intron variant.
Genome position (GRCh38, 1-based): chr9:128,575,382, A>C. VCF-style: chr9-128575382-A-C. GRCh37 (hg19) VCF-style: chr9-131337661-A-C.
Other names: c.651+37A>C (NM_001363759.2, NM_003127.4, NM_001363765.2 and 1 more transcripts).
Identifiers: ClinVar variation 160023 (VCV000160023.12), dbSNP rs2297769, ClinGen allele CA173592.